The following is an entry in ClinVar:

NM_003070.5(SMARCA2):c.874C>T (p.Pro292Ser)

Gene: SMARCA2 (SWI/SNF related BAF chromatin remodeling complex subunit ATPase 2; plus strand). Cytogenetic location: 9p24.3.
Variant type: single nucleotide variant.
Coding change: c.874C>T on transcript NM_003070.5 (MANE Select); coding-DNA position 874, C replaced by T.
Protein change: p.Pro292Ser; replaces proline 292 with serine.
Molecular consequence: missense variant.
Genome position (GRCh38, 1-based): chr9:2,047,312, C>T. VCF-style: chr9-2047312-C-T. GRCh37 (hg19) VCF-style: chr9-2047312-C-T.
Other names: c.874C>T, p.Pro292Ser (NM_001289396.2, NM_001289397.2, NM_139045.4); short protein forms P292S.
Identifiers: ClinVar variation 1701559 (VCV001701559.33), dbSNP rs1486358678, ClinGen allele CA372780864.

ClinVar aggregate classification (germline): Uncertain significance. Review status: criteria provided, multiple submitters, no conflicts (2 of 4 stars). 2 submissions from 2 submitters: Uncertain significance (2). Last evaluated 2022-10-27.

Submissions (2):

Labcorp Genetics (formerly Invitae), Labcorp
Classification: Uncertain significance. Last evaluated: 2022-10-27. Review status: criteria provided, single submitter. Criteria: Invitae Variant Classification Sherloc (09022015). Collection method: clinical testing. Allele origin: germline.
Comment: In summary, the available evidence is currently insufficient to determine the role of this variant in disease. Therefore, it has been classified as a Variant of Uncertain Significance. Advanced modeling of protein sequence and biophysical properties (such as structural, functional, and spatial information, amino acid conservation, physicochemical variation, residue mobility, and thermodynamic stability) performed at Invitae indicates that this missense variant is not expected to disrupt SMARCA2 protein function. ClinVar contains an entry for this variant (Variation ID: 1701559). This variant has not been reported in the literature in individuals affected with SMARCA2-related conditions. The frequency data for this variant in the population databases is considered unreliable, as metrics indicate insufficient coverage at this position in the gnomAD database. This sequence change replaces proline, which is neutral and non-polar, with serine, which is neutral and polar, at codon 292 of the SMARCA2 protein (p.Pro292Ser).

CeGaT Center for Human Genetics Tuebingen
Classification: Uncertain significance. Last evaluated: 2022-07-01. Review status: criteria provided, single submitter. Criteria: CeGaT Center For Human Genetics Tuebingen Variant Classification Criteria Version 2. Collection method: clinical testing. Allele origin: germline. Affected: yes. Observed: 1 variant allele.
Comment: SMARCA2: PM2, PP2